The following is an entry in ClinVar:

ClinVar aggregate classification (germline): Uncertain significance (1 of 4 stars; one submission).

gnomAD v4.1: 1 of 1,184,923 alleles (0.000084%); highest among the groups gnomAD compares: Non-Finnish European, 0.00011%; no homozygotes.

Submission:

GeneDx
Classification: Uncertain significance. Last evaluated: 2024-10-24. Review status: criteria provided, single submitter. Criteria: GeneDx Variant Classification Process June 2021. Collection method: clinical testing. Allele origin: germline. Affected: yes.
Comment: Not observed at significant frequency in large population cohorts (gnomAD); In silico analysis indicates that this missense variant does not alter protein structure/function; Has not been previously published as pathogenic or benign to our knowledge

NM_153252.5(BRWD3):c.340A>C (p.Ser114Arg)

Gene: BRWD3 (bromodomain and WD repeat domain containing 3; minus strand). Cytogenetic location: Xq21.1.
Variant type: single nucleotide variant.
Coding change: c.340A>C on transcript NM_153252.5 (MANE Select); coding-DNA position 340, A replaced by C.
Protein change: p.Ser114Arg; replaces serine 114 with arginine.
Molecular consequence: missense variant.
Genome position (GRCh38, 1-based): chrX:80,791,944, T>G on the plus strand (A>C on the coding strand, the complement: BRWD3 is on the minus strand). VCF-style: chrX-80791944-T-G. GRCh37 (hg19) VCF-style: chrX-80047443-T-G.
Other names: short protein forms S114R.
Identifiers: ClinVar variation 3893571 (VCV003893571.1).
Genomic context (GRCh38, chrX:80,791,944, plus strand): 5'-GTAGTTCTGGAGGTCTGCCTCTATGCAGAGCCGCAAAAGCAGACCCATTCCATAGTGTAC[T>G]CTTACAGTCTATATAAAAAGAACAAAGGTTGCTAAGGAATAGAGCAGTTTTTTTTTTAAC-3'
Protein context (NP_694984.5, residues 104-124): SLLRDAKDCK[Ser114Arg]TLWNGSAFAA